The following is an entry in ClinVar:

NM_000069.3(CACNA1S):c.1719C>T (p.Phe573=)

Gene: CACNA1S (calcium voltage-gated channel subunit alpha1 S; minus strand). Cytogenetic location: 1q32.1.
Variant type: single nucleotide variant.
Coding change: c.1719C>T on transcript NM_000069.3 (MANE Select); coding-DNA position 1719, C replaced by T.
Protein change: p.Phe573=; no amino-acid change (phenylalanine 573 retained).
Molecular consequence: synonymous variant.
Genome position (GRCh38, 1-based): chr1:201,077,028, G>A on the plus strand (C>T on the coding strand, the complement: CACNA1S is on the minus strand). VCF-style: chr1-201077028-G-A. GRCh37 (hg19) VCF-style: chr1-201046156-G-A.
Identifiers: ClinVar variation 700361 (VCV000700361.15), dbSNP rs759501199, ClinGen allele CA078527.

ClinVar aggregate classification (germline): Likely benign. Review status: criteria provided, multiple submitters, no conflicts (2 of 4 stars). 4 submissions from 4 submitters: Likely benign (4). Last evaluated 2026-04-01.

Conditions:
Hypokalemic periodic paralysis, type 1. Also called: Hypokalemic Periodic Paralysis Type 1 (AD); HypoPP. Identifiers: Orphanet 681, MedGen C3714580, MONDO:0042979, OMIM 170400.
Malignant hyperthermia, susceptibility to, 5 (MHS5). Also called: CACNA1S-Related Malignant Hyperthermia Susceptibility. Identifiers: Orphanet 423, MedGen C1866077, MONDO:0011163, OMIM 601887.

Allele frequency attached by ClinVar (database versions not stated): gnomAD 0.00002 and 0.00004; TOPMed 0.00002; gnomAD exomes 0.00003 and 0.00004; ExAC 0.00006.
gnomAD v4.1: 52 of 1,614,040 alleles (0.0032%); highest among the groups gnomAD compares: South Asian, 0.031%; 2 homozygotes.

Submissions (4):

CeGaT Center for Human Genetics Tuebingen
Classification: Likely benign. Last evaluated: 2026-04-01. Review status: criteria provided, single submitter. Criteria: CeGaT Center For Human Genetics Tuebingen Variant Classification Criteria Version 2. Collection method: clinical testing. Allele origin: germline. Affected: yes. Observed: 1 variant allele.
Comment: CACNA1S: BP4, BP7

Labcorp Genetics (formerly Invitae), Labcorp
Classification: Likely benign for Hypokalemic periodic paralysis, type 1; Malignant hyperthermia, susceptibility to, 5. Last evaluated: 2026-01-19. Review status: criteria provided, single submitter. Criteria: Invitae Variant Classification Sherloc (09022015). Collection method: clinical testing. Allele origin: germline.

All of Us Research Program, National Institutes of Health
Classification: Likely benign for Malignant hyperthermia, susceptibility to, 5. Last evaluated: 2023-12-13. Review status: criteria provided, single submitter. Criteria: ACMG Guidelines, 2015. Collection method: clinical testing. Allele origin: germline. Inheritance: Autosomal dominant inheritance. Observed: 4 variant alleles, 4 heterozygotes.
Comment: This study involves interpretation of variants in research participants for the purpose of population health screening. Participant phenotype was not available at the time of variant classification. Additional details can be found in publication PMID: 35346344, PMCID: PMC8962531

Color Diagnostics, LLC DBA Color Health
Classification: Likely benign for Malignant hyperthermia, susceptibility to, 5. Last evaluated: 2022-11-06. Review status: criteria provided, single submitter. Criteria: ACMG Guidelines, 2015. Collection method: clinical testing. Allele origin: germline.